The following is an entry in ClinVar:

NM_054027.6(ANKH):c.1431G>A (p.Pro477=)

Genes: ANKH (ANKH inorganic pyrophosphate transport regulator; minus strand), OTULIN (OTU deubiquitinase with linear linkage specificity; plus strand). Cytogenetic location: 5p15.2.
Variant type: single nucleotide variant.
Coding change: c.1431G>A on transcript NM_054027.6 (MANE Select); coding-DNA position 1431, G replaced by A.
Protein change: p.Pro477=; no amino-acid change (proline 477 retained).
Molecular consequence: synonymous variant.
Genome position (GRCh38, 1-based): chr5:14,711,245, C>T on the plus strand (G>A on the coding strand, the complement: ANKH is on the minus strand). VCF-style: chr5-14711245-C-T. GRCh37 (hg19) VCF-style: chr5-14711354-C-T.
Identifiers: ClinVar variation 1197982 (VCV001197982.13), dbSNP rs151281757, ClinGen allele CA3208781.

ClinVar aggregate classification (germline): Likely benign. Review status: criteria provided, multiple submitters, no conflicts (2 of 4 stars). 4 submissions from 4 submitters: Likely benign (3). 1 of the submissions does not count toward it. Last evaluated 2026-02-01.

Conditions:
ANKH-related disorder. Also called: ANKH-Related Disorders; ANKH-related condition.

Allele frequency attached by ClinVar (database versions not stated): gnomAD 0.00021 and 0.00022; TOPMed 0.00025; 1000 Genomes Project 30x 0.00031; ExAC 0.00033; gnomAD exomes 0.00036 and 0.00049; ESP Exome Variant Server 0.00038; 1000 Genomes Project 0.00040.
gnomAD v4.1: 760 of 1,614,128 alleles (0.047%); highest among the groups gnomAD compares: Non-Finnish European, 0.055%; 1 homozygote.

Submissions (4):

Labcorp Genetics (formerly Invitae), Labcorp
Classification: Likely benign. Last evaluated: 2026-02-01. Review status: criteria provided, single submitter. Criteria: Invitae Variant Classification Sherloc (09022015). Collection method: clinical testing. Allele origin: germline.

Blueprint Genetics
Classification: Likely benign. Last evaluated: 2024-09-11. Review status: criteria provided, single submitter. Criteria: ACMG Guidelines, 2015. Collection method: clinical testing. Allele origin: germline.

GeneDx
Classification: Likely benign. Last evaluated: 2021-06-22. Review status: criteria provided, single submitter. Criteria: GeneDx Variant Classification Process June 2021. Collection method: clinical testing. Allele origin: germline. Affected: yes.

PreventionGenetics, part of Exact Sciences
Classification: Likely benign for ANKH-related condition. Last evaluated: 2019-03-27. Review status: no assertion criteria provided. Collection method: clinical testing. Allele origin: germline. Not counted in ClinVar's aggregate classification.
Comment: This variant is classified as likely benign based on ACMG/AMP sequence variant interpretation guidelines (Richards et al. 2015 PMID: 25741868, with internal and published modifications).